The following is an entry in ClinVar:

ClinVar aggregate classification (germline): Likely benign. Review status: reviewed by expert panel (3 of 4 stars). 6 submissions from 6 submitters: Likely benign (1). 5 of the submissions do not count toward it. Last evaluated 2017-06-29.

Conditions:
Hereditary cancer-predisposing syndrome. Also called: Hereditary neoplastic syndrome; Hereditary Cancer Syndrome; Neoplastic Syndromes, Hereditary; Tumor predisposition. Identifiers: Orphanet 140162, MedGen C0027672, MeSH D009386, MONDO:0015356.
Hereditary breast ovarian cancer syndrome. Also called: Hereditary breast and ovarian cancer syndrome; BRCA1- and BRCA2-Associated Hereditary Breast and Ovarian Cancer; Hereditary breast and/or ovarian cancer syndrome; Hereditary breast and ovarian cancer; Breast and ovarian cancer; Hereditary breast and ovarian cancer syndrome (HBOC). Identifiers: Orphanet 145, MedGen C0677776, MeSH D061325, MONDO:0003582. Disease mechanism: loss of function.
Breast-ovarian cancer, familial, susceptibility to, 2 (BROVCA2). Also called: BRCA2 Hereditary Breast and Ovarian Cancer. Identifiers: Orphanet 145, MedGen C2675520, MONDO:0012933, OMIM 612555. Disease mechanism: loss of function.

gnomAD v4.1: 4 of 1,614,000 alleles (0.00025%); highest among the groups gnomAD compares: South Asian, 0.0022%; 1 homozygote.

Submissions (6):

Evidence-based Network for the Interpretation of Germline Mutant Alleles (ENIGMA)
Classification: Likely benign for Breast-ovarian cancer, familial, susceptibility to, 2. Last evaluated: 2017-06-29. Review status: reviewed by expert panel. Criteria: ENIGMA BRCA1/2 Classification Criteria (2017-06-29). Collection method: curation. Allele origin: germline.
Comment: Synonymous substitution variant, with low bioinformatic likelihood to result in a splicing aberration (Splicing prior probability 0.02).

Labcorp Genetics (formerly Invitae), Labcorp
Classification: Likely benign for Hereditary breast ovarian cancer syndrome. Last evaluated: 2024-08-01. Review status: criteria provided, single submitter. Criteria: Invitae Variant Classification Sherloc (09022015). Collection method: clinical testing. Allele origin: germline. Not counted in ClinVar's aggregate classification.

Quest Diagnostics Nichols Institute San Juan Capistrano
Classification: Likely benign. Last evaluated: 2023-08-18. Review status: criteria provided, single submitter. Criteria: Quest Diagnostics criteria. Collection method: clinical testing. Allele origin: unknown. Not counted in ClinVar's aggregate classification.

Women's Health and Genetics/Laboratory Corporation of America, LabCorp
Classification: Likely benign. Last evaluated: 2021-11-17. Review status: criteria provided, single submitter. Criteria: LabCorp Variant Classification Summary - May 2015. Collection method: clinical testing. Allele origin: germline. Not counted in ClinVar's aggregate classification.

Color Diagnostics, LLC DBA Color Health
Classification: Likely benign for Hereditary cancer-predisposing syndrome. Last evaluated: 2019-07-30. Review status: criteria provided, single submitter. Criteria: ACMG Guidelines, 2015. Collection method: clinical testing. Allele origin: germline. Not counted in ClinVar's aggregate classification.

Ambry Genetics
Classification: Likely benign for Hereditary cancer-predisposing syndrome. Last evaluated: 2016-04-28. Review status: criteria provided, single submitter. Criteria: Ambry Variant Classification Scheme 2023. Collection method: clinical testing. Allele origin: germline. Not counted in ClinVar's aggregate classification.

Literature cited by the submitters: PubMed 32467295 (cited by Quest Diagnostics Nichols Institute San Juan Capistrano).

NM_000059.4(BRCA2):c.8379A>G (p.Gly2793=)

Gene: BRCA2 (BRCA2 DNA repair associated; plus strand). Cytogenetic location: 13q13.1.
Variant type: single nucleotide variant.
Coding change: c.8379A>G on transcript NM_000059.4 (MANE Select); coding-DNA position 8379, A replaced by G.
Protein change: p.Gly2793=; no amino-acid change (glycine 2793 retained).
Molecular consequence: synonymous variant.
Genome position (GRCh38, 1-based): chr13:32,370,449, A>G. VCF-style: chr13-32370449-A-G. GRCh37 (hg19) VCF-style: chr13-32944586-A-G.
Identifiers: ClinVar variation 427402 (VCV000427402.22), dbSNP rs1131692126, ClinGen allele CA483261191.